The following is an entry in ClinVar:

NM_001318852.2(MAPK8IP3):c.2941C>T (p.Leu981Phe)

Gene: MAPK8IP3 (mitogen-activated protein kinase 8 interacting protein 3; plus strand). Cytogenetic location: 16p13.3.
Variant type: single nucleotide variant.
Coding change: c.2941C>T on transcript NM_001318852.2 (MANE Select); coding-DNA position 2941, C replaced by T.
Protein change: p.Leu981Phe; replaces leucine 981 with phenylalanine.
Molecular consequence: missense variant.
Genome position (GRCh38, 1-based): chr16:1,766,724, C>T. VCF-style: chr16-1766724-C-T. GRCh37 (hg19) VCF-style: chr16-1816725-C-T.
Other names: c.2920C>T, p.Leu974Phe (NM_001040439.2); c.2938C>T, p.Leu980Phe (NM_015133.5, NM_033392.3); short protein forms L974F, L980F, L981F.
Identifiers: ClinVar variation 2500483 (VCV002500483.1), dbSNP rs2042284212, ClinGen allele CA394236858.

ClinVar aggregate classification (germline): Uncertain significance (1 of 4 stars; one submission).

Allele frequency attached by ClinVar (database versions not stated): TOPMed 0.00001.

Submission:

GeneDx
Classification: Uncertain significance. Last evaluated: 2022-10-31. Review status: criteria provided, single submitter. Criteria: GeneDx Variant Classification Process June 2021. Collection method: clinical testing. Allele origin: germline. Affected: yes.
Comment: Not observed at significant frequency in large population cohorts (gnomAD); In silico analysis supports that this missense variant has a deleterious effect on protein structure/function; Has not been previously published as pathogenic or benign to our knowledge